The following is an entry in ClinVar:

ClinVar aggregate classification (germline): Uncertain significance (1 of 4 stars; one submission).

gnomAD v4.1: 1 of 1,613,780 alleles (0.000062%); highest among the groups gnomAD compares: Non-Finnish European, 0.000085%; no homozygotes.

Submission:

Labcorp Genetics (formerly Invitae), Labcorp
Classification: Uncertain significance. Last evaluated: 2024-06-22. Review status: criteria provided, single submitter. Criteria: Invitae Variant Classification Sherloc (09022015). Collection method: clinical testing. Allele origin: germline.
Comment: This sequence change replaces valine, which is neutral and non-polar, with isoleucine, which is neutral and non-polar, at codon 1106 of the ALPK3 protein (p.Val1106Ile). This variant is not present in population databases (gnomAD no frequency). This variant has not been reported in the literature in individuals affected with ALPK3-related conditions. An algorithm developed to predict the effect of missense changes on protein structure and function (PolyPhen-2) suggests that this variant is likely to be tolerated. In summary, the available evidence is currently insufficient to determine the role of this variant in disease. Therefore, it has been classified as a Variant of Uncertain Significance.

NM_020778.5(ALPK3):c.2710G>A (p.Val904Ile)

Gene: ALPK3 (alpha kinase 3; plus strand). Cytogenetic location: 15q25.3.
Variant type: single nucleotide variant.
Coding change: c.2710G>A on transcript NM_020778.5 (MANE Select); coding-DNA position 2710, G replaced by A.
Protein change: p.Val904Ile; replaces valine 904 with isoleucine.
Molecular consequence: missense variant.
Genome position (GRCh38, 1-based): chr15:84,857,448, G>A. VCF-style: chr15-84857448-G-A. GRCh37 (hg19) VCF-style: chr15-85400679-G-A.
Other names: short protein forms V904I.
Identifiers: ClinVar variation 3631830 (VCV003631830.2).